The following is an entry in ClinVar:

NM_003072.5(SMARCA4):c.2366C>T (p.Thr789Ile)

Gene: SMARCA4 (SWI/SNF related BAF chromatin remodeling complex subunit ATPase 4; plus strand). Cytogenetic location: 19p13.2.
Variant type: single nucleotide variant.
Coding change: c.2366C>T on transcript NM_003072.5 (MANE Select); coding-DNA position 2366, C replaced by T.
Protein change: p.Thr789Ile; replaces threonine 789 with isoleucine.
Molecular consequence: missense variant. On other transcripts: non-coding transcript variant (1).
Genome position (GRCh38, 1-based): chr19:11,013,040, C>T. VCF-style: chr19-11013040-C-T. GRCh37 (hg19) VCF-style: chr19-11123716-C-T.
Other names: c.2366C>T, p.Thr789Ile (NM_001128844.3, NM_001128845.2, NM_001128846.2 and 6 more transcripts); short protein forms T789I.
Identifiers: ClinVar variation 4802566 (VCV004802566.1).

ClinVar aggregate classification (germline): Uncertain significance (1 of 4 stars; one submission).

Conditions:
Rhabdoid tumor predisposition syndrome 2 (RTPS2). Identifiers: Orphanet 231108, Orphanet 69077, MedGen C2750074, MONDO:0013224, OMIM 613325.

Submission:

Labcorp Genetics (formerly Invitae), Labcorp
Classification: Uncertain significance for Rhabdoid tumor predisposition syndrome 2. Last evaluated: 2025-02-03. Review status: criteria provided, single submitter. Criteria: Invitae Variant Classification Sherloc (09022015). Collection method: clinical testing. Allele origin: germline.
Comment: This sequence change replaces threonine, which is neutral and polar, with isoleucine, which is neutral and non-polar, at codon 789 of the SMARCA4 protein (p.Thr789Ile). This variant is not present in population databases (gnomAD no frequency). This variant has not been reported in the literature in individuals affected with SMARCA4-related conditions. Invitae Evidence Modeling of protein sequence and biophysical properties (such as structural, functional, and spatial information, amino acid conservation, physicochemical variation, residue mobility, and thermodynamic stability) indicates that this missense variant is expected to disrupt SMARCA4 protein function with a positive predictive value of 95%. In summary, the available evidence is currently insufficient to determine the role of this variant in disease. Therefore, it has been classified as a Variant of Uncertain Significance.